The following is an entry in ClinVar:

ClinVar aggregate classification (germline): Uncertain significance. Review status: criteria provided, multiple submitters, no conflicts (2 of 4 stars). 2 submissions from 2 submitters: Uncertain significance (2). Last evaluated 2026-05-14.

Conditions:
Inborn genetic diseases. Identifiers: MedGen C0950123, MeSH D030342.
Exostoses, multiple, type 2 (EXT2). Also called: Hereditary Multiple Osteochondromatosis, Type II; EXOSTOSES, MULTIPLE, TYPE II. Identifiers: Orphanet 321, MedGen C1851413, MONDO:0007586, OMIM 133701.

Allele frequency attached by ClinVar (database versions not stated): gnomAD exomes 0.00005 and 0.00002; TOPMed 0.00001; ExAC 0.00003.
gnomAD v4.1: 12 of 1,614,108 alleles (0.00074%); highest among the groups gnomAD compares: Admixed American, 0.02%; no homozygotes.

Submissions (2):

Ambry Genetics
Classification: Uncertain significance for Inborn genetic diseases. Last evaluated: 2026-05-14. Review status: criteria provided, single submitter. Criteria: Ambry Variant Classification Scheme 2023. Collection method: clinical testing. Allele origin: germline.

Labcorp Genetics (formerly Invitae), Labcorp
Classification: Uncertain significance for Exostoses, multiple, type 2. Last evaluated: 2025-08-29. Review status: criteria provided, single submitter. Criteria: Invitae Variant Classification Sherloc (09022015). Collection method: clinical testing. Allele origin: germline.
Comment: This sequence change replaces phenylalanine, which is neutral and non-polar, with leucine, which is neutral and non-polar, at codon 395 of the EXT2 protein (p.Phe395Leu). This variant is present in population databases (rs776907891, gnomAD 0.03%). This variant has not been reported in the literature in individuals affected with EXT2-related conditions. ClinVar contains an entry for this variant (Variation ID: 1444485). Invitae Evidence Modeling of protein sequence and biophysical properties (such as structural, functional, and spatial information, amino acid conservation, physicochemical variation, residue mobility, and thermodynamic stability) indicates that this missense variant is not expected to disrupt EXT2 protein function with a negative predictive value of 95%. In summary, the available evidence is currently insufficient to determine the role of this variant in disease. Therefore, it has been classified as a Variant of Uncertain Significance.

NM_207122.2(EXT2):c.1185C>G (p.Phe395Leu)

Gene: EXT2 (exostosin glycosyltransferase 2; plus strand). Cytogenetic location: 11p11.2.
Variant type: single nucleotide variant.
Coding change: c.1185C>G on transcript NM_207122.2 (MANE Select); coding-DNA position 1185, C replaced by G.
Protein change: p.Phe395Leu; replaces phenylalanine 395 with leucine.
Molecular consequence: missense variant. On other transcripts: intron variant (1).
Genome position (GRCh38, 1-based): chr11:44,171,622, C>G. VCF-style: chr11-44171622-C-G. GRCh37 (hg19) VCF-style: chr11-44193172-C-G.
Other names: c.1284C>G, p.Phe428Leu (NM_000401.3); c.1185C>G, p.Phe395Leu (NM_001389628.1, NM_001389630.1); c.1267-52C>G (NM_001178083.3); c.1185C>G (NM_207122.1); short protein forms F428L, F395L.
Identifiers: ClinVar variation 1444485 (VCV001444485.7), dbSNP rs776907891, ClinGen allele CA5955189.
Genomic context (GRCh38, chr11:44,171,622, plus strand): 5'-CCCACTCTGTCTCGCTTGCTCACTTAAAACAGCATTATTTTCTTTATAGGCCCGGTGGTT[C>G]TGGGAAGCGTACTTCCAGTCAATTAAAGCCATTGCCCTGGCCACCCTGCAGATTATCAAT-3'
Protein context (NP_997005.1, residues 385-405): IEEMQRQARW[Phe395Leu]WEAYFQSIKA